The following is an entry in ClinVar:

NM_004177.5(STX3):c.180C>T (p.Tyr60=)

Gene: STX3 (syntaxin 3; plus strand). Cytogenetic location: 11q12.1.
Variant type: single nucleotide variant.
Coding change: c.180C>T on transcript NM_004177.5 (MANE Select); coding-DNA position 180, C replaced by T.
Protein change: p.Tyr60=; no amino-acid change (tyrosine 60 retained).
Molecular consequence: synonymous variant.
Genome position (GRCh38, 1-based): chr11:59,787,102, C>T. VCF-style: chr11-59787102-C-T. GRCh37 (hg19) VCF-style: chr11-59554575-C-T.
Other names: c.180C>T, p.Tyr60= (NM_001178040.3).
Identifiers: ClinVar variation 1931366 (VCV001931366.7), dbSNP rs779956637, ClinGen allele CA6020762.

ClinVar aggregate classification (germline): Likely benign. Review status: criteria provided, single submitter (1 of 4 stars). 2 submissions from 2 submitters: Likely benign (1). 1 of the submissions does not count toward it. Last evaluated 2026-01-12.

Conditions:
STX3-related disorder. Also called: STX3-related condition.

Allele frequency attached by ClinVar (database versions not stated): gnomAD exomes 0.00001; TOPMed 0.00001; ExAC 0.00002; gnomAD 0.00002.
gnomAD v4.1: 19 of 1,614,092 alleles (0.0012%); highest among the groups gnomAD compares: Middle Eastern, 0.033%; no homozygotes.

Submissions (2):

Labcorp Genetics (formerly Invitae), Labcorp
Classification: Likely benign. Last evaluated: 2026-01-12. Review status: criteria provided, single submitter. Criteria: Invitae Variant Classification Sherloc (09022015). Collection method: clinical testing. Allele origin: germline.

PreventionGenetics, part of Exact Sciences
Classification: Likely benign for STX3-related condition. Last evaluated: 2019-03-14. Review status: no assertion criteria provided. Collection method: clinical testing. Allele origin: germline. Not counted in ClinVar's aggregate classification.
Comment: This variant is classified as likely benign based on ACMG/AMP sequence variant interpretation guidelines (Richards et al. 2015 PMID: 25741868, with internal and published modifications).